The following is an entry in ClinVar:

NM_006440.5(TXNRD2):c.683-6C>T

Gene: TXNRD2 (thioredoxin reductase 2; minus strand). Cytogenetic location: 22q11.21.
Variant type: single nucleotide variant.
Coding change: c.683-6C>T on transcript NM_006440.5 (MANE Select); 6 bases into the intron before coding-DNA position 683, C replaced by T.
Molecular consequence: intron variant.
Genome position (GRCh38, 1-based): chr22:19,898,136, G>A on the plus strand (C>T on the coding strand, the complement: TXNRD2 is on the minus strand). VCF-style: chr22-19898136-G-A. GRCh37 (hg19) VCF-style: chr22-19885659-G-A.
Other names: c.680-6C>T (NM_001352300.2); c.395-6C>T (NM_001352302.2); c.593-6C>T (NM_001352301.2); c.683-6C>T (NM_001282512.3); c.587-6C>T (NM_001352303.2).
Identifiers: ClinVar variation 454287 (VCV000454287.16), dbSNP rs757160421, ClinGen allele CA10104007.

ClinVar aggregate classification (germline): Benign/Likely benign. Review status: criteria provided, multiple submitters, no conflicts (2 of 4 stars). 3 submissions from 3 submitters: Benign (1); Likely benign (1). 1 of the submissions does not count toward it. Last evaluated 2025-11-18.

Conditions:
Primary dilated cardiomyopathy (DCM). Also called: Dilated Cardiomyopathy. Identifiers: Orphanet 217604, MedGen C0007193, MeSH D002311, MONDO:0005021, HP:0001644. Inheritance: Various modes of inheritance.
TXNRD2-related disorder. Also called: TXNRD2-related condition.

Allele frequency attached by ClinVar (database versions not stated): ExAC 0.00005; gnomAD exomes 0.00008 and 0.00023; TOPMed 0.00018; gnomAD 0.00019 and 0.00021.
gnomAD v4.1: 142 of 1,557,116 alleles (0.0091%); highest among the groups gnomAD compares: Admixed American, 0.11%; 1 homozygote.

Submissions (3):

Labcorp Genetics (formerly Invitae), Labcorp
Classification: Benign for Primary dilated cardiomyopathy. Last evaluated: 2025-11-18. Review status: criteria provided, single submitter. Criteria: Invitae Variant Classification Sherloc (09022015). Collection method: clinical testing. Allele origin: germline.

GeneDx
Classification: Likely benign. Last evaluated: 2021-03-11. Review status: criteria provided, single submitter. Criteria: GeneDx Variant Classification Process June 2021. Collection method: clinical testing. Allele origin: germline. Affected: yes.

PreventionGenetics, part of Exact Sciences
Classification: Likely benign for TXNRD2-related condition. Last evaluated: 2023-04-06. Review status: no assertion criteria provided. Collection method: clinical testing. Allele origin: germline. Not counted in ClinVar's aggregate classification.
Comment: This variant is classified as likely benign based on ACMG/AMP sequence variant interpretation guidelines (Richards et al. 2015 PMID: 25741868, with internal and published modifications).